The following is an entry in ClinVar:

NM_004415.4(DSP):c.2611G>A (p.Asp871Asn)

Gene: DSP (desmoplakin; plus strand). Cytogenetic location: 6p24.3.
Variant type: single nucleotide variant.
Coding change: c.2611G>A on transcript NM_004415.4 (MANE Select); coding-DNA position 2611, G replaced by A.
Protein change: p.Asp871Asn; replaces aspartic acid 871 with asparagine.
Molecular consequence: missense variant.
Genome position (GRCh38, 1-based): chr6:7,575,469, G>A. VCF-style: chr6-7575469-G-A. GRCh37 (hg19) VCF-style: chr6-7575702-G-A.
Other names: c.2611G>A, p.Asp871Asn (NM_001008844.3, NM_001319034.2); short protein forms D871N.
Identifiers: ClinVar variation 2928491 (VCV002928491.5), dbSNP rs1349062757, ClinGen allele CA362681719.

ClinVar aggregate classification (germline): Uncertain significance. Review status: criteria provided, multiple submitters, no conflicts (2 of 4 stars). 3 submissions from 3 submitters: Uncertain significance (3). Last evaluated 2024-02-08.

Conditions:
Cardiomyopathy (CMYO). Also called: Cardiomyopathies. Identifiers: Orphanet 167848, MedGen C0878544, MONDO:0004994, HP:0001638. Inheritance: Various modes of inheritance.
Arrhythmogenic cardiomyopathy with wooly hair and keratoderma. Also called: Arrhythmogenic cardiomyopathy with woolly hair and keratoderma; Dilated cardiomyopathy with woolly hair and keratoderma; PALMOPLANTAR KERATODERMA WITH LEFT VENTRICULAR CARDIOMYOPATHY AND WOOLLY HAIR; Carvajal syndrome. Identifiers: Orphanet 65282, MedGen C1854063, MONDO:0011581, OMIM 605676.
Arrhythmogenic right ventricular dysplasia 8 (ARVD8). Also called: Arrhythmogenic Right Ventricular Dysplasia/Cardiomyopathy 8; ARRHYTHMOGENIC RIGHT VENTRICULAR DYSPLASIA, FAMILIAL, 8; ARRHYTHMOGENIC RIGHT VENTRICULAR CARDIOMYOPATHY 8. Identifiers: MedGen C1843896, MONDO:0011831, OMIM 607450.

Allele frequency attached by ClinVar (database versions not stated): gnomAD exomes below 0.00001; TOPMed 0.00001.
gnomAD v4.1: 2 of 1,614,188 alleles (0.00012%); highest among the groups gnomAD compares: Non-Finnish European, 0.00017%; no homozygotes.

Submissions (3):

Color Diagnostics, LLC DBA Color Health
Classification: Uncertain significance for Cardiomyopathy. Last evaluated: 2024-02-08. Review status: criteria provided, single submitter. Criteria: ACMG Guidelines, 2015. Collection method: clinical testing. Allele origin: germline.
Comment: This missense variant replaces aspartic acid with asparagine at codon 871 of the DSP protein. Computational prediction suggests that this variant may not impact protein structure and function (internally defined REVEL score threshold <= 0.5, PMID: 27666373). To our knowledge, functional studies have not been reported for this variant. This variant has been reported in an individual affected with dilated cardiomyopathy (PMID: 37904629). This variant has not been identified in the general population by the Genome Aggregation Database (gnomAD). The available evidence is insufficient to determine the role of this variant in disease conclusively. Therefore, this variant is classified as a Variant of Uncertain Significance.

Labcorp Genetics (formerly Invitae), Labcorp
Classification: Uncertain significance for Arrhythmogenic cardiomyopathy with wooly hair and keratoderma; Arrhythmogenic right ventricular dysplasia 8. Last evaluated: 2024-01-25. Review status: criteria provided, single submitter. Criteria: Invitae Variant Classification Sherloc (09022015). Collection method: clinical testing. Allele origin: germline.
Comment: This sequence change replaces aspartic acid, which is acidic and polar, with asparagine, which is neutral and polar, at codon 871 of the DSP protein (p.Asp871Asn). This variant is not present in population databases (gnomAD no frequency). This variant has not been reported in the literature in individuals affected with DSP-related conditions. An algorithm developed to predict the effect of missense changes on protein structure and function (PolyPhen-2) suggests that this variant is likely to be tolerated. In summary, the available evidence is currently insufficient to determine the role of this variant in disease. Therefore, it has been classified as a Variant of Uncertain Significance.

All of Us Research Program, National Institutes of Health
Classification: Uncertain significance for Arrhythmogenic cardiomyopathy with wooly hair and keratoderma. Last evaluated: 2023-12-01. Review status: criteria provided, single submitter. Criteria: ACMG Guidelines, 2015. Collection method: clinical testing. Allele origin: germline. Inheritance: Autosomal dominant inheritance. Observed: 3 variant alleles, 3 heterozygotes.
Comment: This missense variant replaces aspartic acid with asparagine at codon 871 of the DSP protein. Computational prediction suggests that this variant may not impact protein structure and function (internally defined REVEL score threshold <= 0.5, PMID: 27666373). To our knowledge, functional studies have not been reported for this variant. This variant has not been reported in individuals affected with DSP-related disorders in the literature. This variant has not been identified in the general population by the Genome Aggregation Database (gnomAD). The available evidence is insufficient to determine the role of this variant in disease conclusively. Therefore, this variant is classified as a Variant of Uncertain Significance.

This study involves interpretation of variants in research participants for the purpose of population health screening. Participant phenotype was not available at the time of variant classification. Additional details can be found in publication PMID: 35346344, PMCID: PMC8962531

Literature cited by the submitters: PubMed 37904629 (cited by Color Diagnostics, LLC DBA Color Health).